The following is an entry in ClinVar:

ClinVar aggregate classification (germline): Pathogenic. Review status: criteria provided, multiple submitters, no conflicts (2 of 4 stars). 2 submissions from 2 submitters: Pathogenic (2). Last evaluated 2025-03-14.

Conditions:
Hereditary cancer-predisposing syndrome. Also called: Tumor predisposition; Hereditary Cancer Syndrome; Neoplastic Syndromes, Hereditary; Hereditary neoplastic syndrome. Identifiers: Orphanet 140162, MedGen C0027672, MeSH D009386, MONDO:0015356.
Hereditary pheochromocytoma and paraganglioma. Also called: Hereditary paragangliomas and pheochromocytomas; Hereditary Paraganglioma-Pheochromocytoma Syndromes; Hereditary pheochromocytoma-paraganglioma. Identifiers: Orphanet 29072, MedGen C4274332, MONDO:0017366.

Submissions (2):

Ambry Genetics
Classification: Pathogenic for Hereditary cancer-predisposing syndrome. Last evaluated: 2025-03-14. Review status: criteria provided, single submitter. Criteria: Ambry Variant Classification Scheme 2023. Collection method: clinical testing. Allele origin: germline.
Comment: The c.355_383dup29 variant, located in coding exon 2 of the TMEM127 gene, results from a duplication of AAGCATCCTGCTCTGAAGATCACTCGTCG at nucleotide position 355, causing a translational frameshift with a predicted alternate stop codon (p.Y129Sfs*5). This alteration occurs at the 3' terminus of theTMEM127 gene, is not expected to trigger nonsense-mediated mRNA decay, and impacts the last 46% of the protein. However, premature stop codons are typically deleterious in nature and a significant portion of the protein is affected (Ambry internal data). This variant is considered to be rare based on population cohorts in the Genome Aggregation Database (gnomAD). Based on the supporting evidence, this variant is interpreted as a disease-causing mutation.

Labcorp Genetics (formerly Invitae), Labcorp
Classification: Pathogenic for Hereditary pheochromocytoma and paraganglioma. Last evaluated: 2025-02-25. Review status: criteria provided, single submitter. Criteria: Invitae Variant Classification Sherloc (09022015). Collection method: clinical testing. Allele origin: germline.
Comment: This sequence change creates a premature translational stop signal (p.Tyr129Serfs*5) in the TMEM127 gene. While this is not anticipated to result in nonsense mediated decay, it is expected to disrupt the last 110 amino acid(s) of the TMEM127 protein. This variant is not present in population databases (gnomAD no frequency). This variant has not been reported in the literature in individuals affected with TMEM127-related conditions. This variant disrupts a region of the TMEM127 protein in which other variant(s) (p.Tyr178Leufs*48) have been determined to be pathogenic (PMID: 28384794, 28855235; internal data). This suggests that this is a clinically significant region of the protein, and that variants that disrupt it are likely to be disease-causing. For these reasons, this variant has been classified as Pathogenic.

Literature cited by the submitters: PubMed 28384794 (cited by Labcorp Genetics (formerly Invitae), Labcorp); PubMed 28855235 (cited by Labcorp Genetics (formerly Invitae), Labcorp).

NM_017849.4(TMEM127):c.355_383dup (p.Arg128_Tyr129insSerIleLeuLeuTer)

Gene: TMEM127 (transmembrane protein 127; minus strand). Cytogenetic location: 2q11.2.
Variant type: Duplication.
Coding change: c.355_383dup on transcript NM_017849.4 (MANE Select); coding-DNA positions 355 to 383, 29 bases duplicated (AAGCATCCTGCTCTGAAGATCACTCGTCG).
Protein change: p.Arg128_Tyr129insSerIleLeuLeuTer.
Molecular consequence: nonsense.
Genome position (GRCh38, 1-based): chr2:96,254,859-96,254,887, CGACGAGTGATCTTCAGAGCAGGATGCTT duplicated on the plus strand (AAGCATCCTGCTCTGAAGATCACTCGTCG on the coding strand, the reverse complement: TMEM127 is on the minus strand); duplicating any 29 consecutive bases within chr2:96,254,859-96,254,889 gives the same sequence; the c. name uses the placement nearest the transcript's 3' end. VCF-style (leftmost placement, unchanged base first): chr2-96254858-G-GCGACGAGTGATCTTCAGAGCAGGATGCTT. GRCh37 (hg19) VCF-style: chr2-96920596-G-GCGACGAGTGATCTTCAGAGCAGGATGCTT.
Other names: c.355_383dupAAGCATCCTGCTCTGAAGATCACTCGTCG (NM_017849.3); c.355_383dup, p.Arg128_Tyr129insSerIleLeuLeuTer (NM_001193304.3); c.103_131dup, p.Arg44_Tyr45insSerIleLeuLeuTer (NM_001407282.1, NM_001407283.1).
Identifiers: ClinVar variation 3670153 (VCV003670153.3).
Genomic context (GRCh38, chr2:96,254,858, plus strand): 5'-GTTCCTCTCCCACTGTGAGCAGGCTCACGGCTTACCCGTTAGGATATGGGCGAAGGCATA[G>GCGACGAGTGATCTTCAGAGCAGGATGCTT]CGACGAGTGATCTTCAGAGCAGGATGCTTCGGCCCAAAGACATCCAGAAGGAAAGCGGAG-3'